The following is an entry in ClinVar:

NM_024809.5(TCTN2):c.464-224C>T

Gene: TCTN2 (tectonic family member 2; plus strand). Cytogenetic location: 12q24.31.
Variant type: single nucleotide variant.
Coding change: c.464-224C>T on transcript NM_024809.5 (MANE Select); 224 bases into the intron before coding-DNA position 464, C replaced by T.
Molecular consequence: intron variant.
Genome position (GRCh38, 1-based): chr12:123,678,965, C>T. VCF-style: chr12-123678965-C-T. GRCh37 (hg19) VCF-style: chr12-124163512-C-T.
Other names: c.461-224C>T (NM_001143850.3).
Identifiers: ClinVar variation 672250 (VCV000672250.1), dbSNP rs6488891, ClinGen allele CA13605543.

ClinVar aggregate classification (germline): Benign (1 of 4 stars; one submission).

Allele frequency attached by ClinVar (database versions not stated): 1000 Genomes Project 0.27157; 1000 Genomes Project 30x 0.27608; TOPMed 0.35694; gnomAD 0.35695 and 0.36394.
gnomAD v4.1: 54,275 of 151,714 alleles (36%); highest among the groups gnomAD compares: African/African-American, 41%; 10,179 homozygotes.

Submission:

GeneDx
Classification: Benign. Last evaluated: 2018-06-14. Review status: criteria provided, single submitter. Criteria: GeneDx Variant Classification (06012015). Collection method: clinical testing. Allele origin: germline. Affected: yes.
Comment: This variant is considered likely benign or benign based on one or more of the following criteria: it is a conservative change, it occurs at a poorly conserved position in the protein, it is predicted to be benign by multiple in silico algorithms, and/or has population frequency not consistent with disease.